The following is an entry in ClinVar:

ClinVar aggregate classification (germline): Conflicting classifications of pathogenicity. Review status: criteria provided, conflicting classifications (1 of 4 stars). 8 submissions from 8 submitters: Uncertain significance (2); Benign (1); Likely benign (5). Last evaluated 2026-06-01.

Conditions:
Charcot-Marie-Tooth disease. Also called: Charcot-Marie-Tooth Neuropathy; Charcot-Marie-Tooth Hereditary Neuropathy. Identifiers: Orphanet 166, MedGen C0007959, MONDO:0015626.
Neuropathy, hereditary sensory and autonomic, type 1A (HSAN1A). Also called: NEUROPATHY, HEREDITARY SENSORY AND AUTONOMIC, TYPE IA; HSAN IA; HSN IA; NEUROPATHY, HEREDITARY SENSORY RADICULAR, AUTOSOMAL DOMINANT, TYPE 1A; SPTLC1-Related Hereditary Sensory Neuropathy. Identifiers: MedGen C5235211, MONDO:0008086, OMIM 162400.
Hereditary sensory and autonomic neuropathy type 1 (HSAN1). Also called: HSAN 1; Hereditary Sensory Neuropathy Type I; HSN Type I. Identifiers: Orphanet 36386, MedGen C0020071, MONDO:0018213.
Inborn genetic diseases. Identifiers: MedGen C0950123, MeSH D030342.

Allele frequency attached by ClinVar (database versions not stated): gnomAD 0.00041; TOPMed 0.00052; 1000 Genomes Project 30x 0.00094; ExAC 0.00018; gnomAD exomes 0.00022; ESP Exome Variant Server 0.00038; 1000 Genomes Project 0.00100.
gnomAD v4.1: 339 of 1,611,368 alleles (0.021%); highest among the groups gnomAD compares: Middle Eastern, 0.25%; 1 homozygote.

Submissions (8):

CeGaT Center for Human Genetics Tuebingen
Classification: Likely benign. Last evaluated: 2026-06-01. Review status: criteria provided, single submitter. Criteria: CeGaT Center For Human Genetics Tuebingen Variant Classification Criteria Version 2. Collection method: clinical testing. Allele origin: germline. Affected: yes. Observed: 2 variant alleles.
Comment: SPTLC1: BS2

Labcorp Genetics (formerly Invitae), Labcorp
Classification: Likely benign for Hereditary sensory and autonomic neuropathy type 1. Last evaluated: 2026-02-02. Review status: criteria provided, single submitter. Criteria: Invitae Variant Classification Sherloc (09022015). Collection method: clinical testing. Allele origin: germline.

Women's Health and Genetics/Laboratory Corporation of America, LabCorp
Classification: Likely benign. Last evaluated: 2025-10-29. Review status: criteria provided, single submitter. Criteria: LabCorp Variant Classification Summary - May 2015. Collection method: clinical testing. Allele origin: germline.
Comment: Variant summary: SPTLC1 c.120C>G (p.Phe40Leu) results in a non-conservative amino acid change in the encoded protein sequence. Algorithms developed to predict the effect of missense changes on protein structure and function are either unavailable or do not agree on the potential impact of this missense change. The variant allele was found at a frequency of 0.00022 in 249980 control chromosomes. The observed variant frequency exceeds the estimated maximal expected allele frequency for disease-causing variants in SPTLC1. To our knowledge, no occurrence of c.120C>G in individuals affected with SPTLC1-related conditions and no experimental evidence demonstrating its impact on protein function have been reported. ClinVar contains an entry for this variant (Variation ID: 449988). Based on the evidence outlined above, the variant was classified as likely benign.

Revvity Omics, Revvity
Classification: Uncertain significance. Last evaluated: 2020-09-10. Review status: criteria provided, single submitter. Criteria: ACMG Guidelines, 2015. Collection method: clinical testing. Allele origin: germline.

Ambry Genetics
Classification: Likely benign for Inborn genetic diseases. Last evaluated: 2020-06-30. Review status: criteria provided, single submitter. Criteria: Ambry Variant Classification Scheme 2023. Collection method: clinical testing. Allele origin: germline.

GeneDx
Classification: Likely benign. Last evaluated: 2018-09-11. Review status: criteria provided, single submitter. Criteria: GeneDx Variant Classification Process June 2021. Collection method: clinical testing. Allele origin: germline. Affected: yes.
Comment: This variant is associated with the following publications: (PMID: 32376792)

Illumina Laboratory Services, Illumina
Classification: Benign for Neuropathy, hereditary sensory and autonomic, type 1A. Last evaluated: 2018-01-13. Review status: criteria provided, single submitter. Criteria: ICSL Variant Classification Criteria 13 December 2019. Collection method: clinical testing. Allele origin: germline.
Comment: This variant was observed in the ICSL laboratory as part of a predisposition screen in an ostensibly healthy population. It had not been previously curated by ICSL or reported in the Human Gene Mutation Database (HGMD: prior to June 1st, 2018), and was therefore a candidate for classification through an automated scoring system. Utilizing variant allele frequency, disease prevalence and penetrance estimates, and inheritance mode, an automated score was calculated to assess if this variant is too frequent to cause the disease. Based on the score and internal cut-off values, a variant classified as benign is not then subjected to further curation. The score for this variant resulted in a classification of benign for this disease.

Molecular Genetics Laboratory, London Health Sciences Centre
Classification: Uncertain significance for Charcot-Marie-Tooth disease. Review status: criteria provided, single submitter. Criteria: ACMG Guidelines, 2015. Collection method: clinical testing. Allele origin: germline. Affected: yes.

NM_006415.4(SPTLC1):c.120C>G (p.Phe40Leu)

Gene: SPTLC1 (serine palmitoyltransferase long chain base subunit 1; minus strand). Cytogenetic location: 9q22.31.
Variant type: single nucleotide variant.
Coding change: c.120C>G on transcript NM_006415.4 (MANE Select); coding-DNA position 120, C replaced by G.
Protein change: p.Phe40Leu; replaces phenylalanine 40 with leucine.
Molecular consequence: missense variant. On other transcripts: 5 prime UTR variant (2).
Genome position (GRCh38, 1-based): chr9:92,112,500, G>C on the plus strand (C>G on the coding strand, the complement: SPTLC1 is on the minus strand). VCF-style: chr9-92112500-G-C. GRCh37 (hg19) VCF-style: chr9-94874782-G-C.
Other names: c.120C>G (LRG_272t1); c.120C>G, p.Phe40Leu (NM_001281303.2, NM_178324.3); c.-380C>G (NM_001368272.1); c.-346C>G (NM_001368273.1); short protein forms F40L.
Identifiers: ClinVar variation 449988 (VCV000449988.47), dbSNP rs142153571, ClinGen allele CA5121677.